The following is an entry in ClinVar:

ClinVar aggregate classification (germline): Uncertain significance. Review status: criteria provided, multiple submitters, no conflicts (2 of 4 stars). 3 submissions from 3 submitters: Uncertain significance (3). Last evaluated 2022-08-23.

Conditions:
Developmental and epileptic encephalopathy 94 (DEE94). Also called: Epileptic encephalopathy, childhood-onset; CHD2-Related Neurodevelopmental Disorders. Identifiers: Orphanet 1942, Orphanet 2382, MedGen C3809278, MONDO:0014150, OMIM 615369.

Allele frequency attached by ClinVar (database versions not stated): gnomAD exomes below 0.00001.
gnomAD v4.1: 2 of 1,614,144 alleles (0.00012%); highest among the groups gnomAD compares: Non-Finnish European, 0.00017%; no homozygotes.

Submissions (3):

Labcorp Genetics (formerly Invitae), Labcorp
Classification: Uncertain significance for Developmental and epileptic encephalopathy 94. Last evaluated: 2022-08-23. Review status: criteria provided, single submitter. Criteria: Invitae Variant Classification Sherloc (09022015). Collection method: clinical testing. Allele origin: germline.
Comment: Advanced modeling of protein sequence and biophysical properties (such as structural, functional, and spatial information, amino acid conservation, physicochemical variation, residue mobility, and thermodynamic stability) performed at Invitae indicates that this missense variant is not expected to disrupt CHD2 protein function. This sequence change replaces glutamine, which is neutral and polar, with histidine, which is basic and polar, at codon 1615 of the CHD2 protein (p.Gln1615His). This variant is present in population databases (no rsID available, gnomAD 0.0009%). This variant has not been reported in the literature in individuals affected with CHD2-related conditions. ClinVar contains an entry for this variant (Variation ID: 930388). In summary, the available evidence is currently insufficient to determine the role of this variant in disease. Therefore, it has been classified as a Variant of Uncertain Significance.

CeGaT Center for Human Genetics Tuebingen
Classification: Uncertain significance. Last evaluated: 2022-06-01. Review status: criteria provided, single submitter. Criteria: CeGaT Center For Human Genetics Tuebingen Variant Classification Criteria Version 2. Collection method: clinical testing. Allele origin: germline. Affected: yes. Observed: 1 variant allele.
Comment: CHD2: PM2

Centre for Mendelian Genomics, University Medical Centre Ljubljana
Classification: Uncertain significance for Developmental and epileptic encephalopathy 94. Last evaluated: 2016-01-01. Review status: criteria provided, single submitter. Criteria: ACMG Guidelines, 2015. Collection method: clinical testing. Allele origin: unknown. Affected: yes.
Comment: This variant was classified as: Uncertain significance. The following ACMG criteria were applied in classifying this variant: PP3,PP4.

NM_001271.4(CHD2):c.4845G>C (p.Gln1615His)

Gene: CHD2 (chromodomain helicase DNA binding protein 2; plus strand). Cytogenetic location: 15q26.1.
Variant type: single nucleotide variant.
Coding change: c.4845G>C on transcript NM_001271.4 (MANE Select); coding-DNA position 4845, G replaced by C.
Protein change: p.Gln1615His; replaces glutamine 1615 with histidine.
Molecular consequence: missense variant.
Genome position (GRCh38, 1-based): chr15:93,014,848, G>C. VCF-style: chr15-93014848-G-C. GRCh37 (hg19) VCF-style: chr15-93558078-G-C.
Other names: short protein forms Q1615H.
Identifiers: ClinVar variation 930388 (VCV000930388.33), dbSNP rs1427359303, ClinGen allele CA393906814.